The following is an entry in ClinVar:

ClinVar aggregate classification (germline): Likely pathogenic (1 of 4 stars; one submission).

Conditions:
Knobloch syndrome 1 (KNO1). Identifiers: MedGen C4551775, MONDO:0800167, OMIM 267750.

Submission:

Juno Genomics, Hangzhou Juno Genomics, Inc
Classification: Likely pathogenic for Knobloch syndrome 1. Review status: criteria provided, single submitter. Criteria: ACMG Guidelines, 2015. Collection method: clinical testing. Allele origin: germline.
Comment: Null variant in a gene where loss of function (LOF) is a known mechanism of disease.;Absent from controls (or at extremely low frequency if recessive) in Genome Aggregation Database.

NM_001379500.1(COL18A1):c.2111_2112insT (p.Gly707fs)

Gene: COL18A1 (collagen type XVIII alpha 1 chain; plus strand). Cytogenetic location: 21q22.3.
Variant type: Insertion.
Coding change: c.2111_2112insT on transcript NM_001379500.1 (MANE Select); coding-DNA positions 2111 to 2112, T inserted.
Protein change: p.Gly707fs; shifts the reading frame from glycine 707.
Molecular consequence: frameshift variant.
Genome position: GRCh38 VCF-style: chr21-45491268-G-GT. GRCh37 (hg19) VCF-style: chr21-46911182-G-GT.
Other names: c.2651_2652insT, p.Gly887fs (NM_030582.4); c.3356_3357insT, p.Gly1122fs (NM_130444.3); short protein forms G887fs, G1122fs, G707fs.
Identifiers: ClinVar variation 5006426 (VCV005006426.2).